The following is an entry in ClinVar:

NM_000548.5(TSC2):c.4286C>T (p.Ala1429Val)

Gene: TSC2 (TSC complex subunit 2; plus strand). Cytogenetic location: 16p13.3.
Variant type: single nucleotide variant.
Coding change: c.4286C>T on transcript NM_000548.5 (MANE Select); coding-DNA position 4286, C replaced by T.
Protein change: p.Ala1429Val; replaces alanine 1429 with valine.
Molecular consequence: missense variant.
Genome position (GRCh38, 1-based): chr16:2,084,508, C>T. VCF-style: chr16-2084508-C-T. GRCh37 (hg19) VCF-style: chr16-2134509-C-T.
Other names: c.4286C>T (NM_000548.4); c.4085C>T, p.Ala1362Val (NM_001077183.3); c.4217C>T, p.Ala1406Val (NM_001114382.3); c.3977C>T, p.Ala1326Val (NM_001318827.2); c.3941C>T, p.Ala1314Val (NM_001318829.2); c.3554C>T, p.Ala1185Val (NM_001318831.2); c.4118C>T, p.Ala1373Val (NM_001318832.2); c.4088C>T, p.Ala1363Val (NM_001363528.2); and 2 more; short protein forms A1429V, A1314V, A1326V, A1362V, A1386V, A1363V, A1385V, A1373V.
Identifiers: ClinVar variation 318330 (VCV000318330.50), dbSNP rs757579310, ClinGen allele CA050774.

ClinVar aggregate classification (germline): Conflicting classifications of pathogenicity. Review status: criteria provided, conflicting classifications (1 of 4 stars). 9 submissions from 9 submitters: Uncertain significance (4); Benign (2); Likely benign (3). Last evaluated 2026-04-13.

Conditions:
TSC2-related disorder. Also called: TSC2-related condition; TSC2-Related Disorders.
Hereditary cancer-predisposing syndrome. Also called: Tumor predisposition; Neoplastic Syndromes, Hereditary; Hereditary neoplastic syndrome; Hereditary Cancer Syndrome. Identifiers: Orphanet 140162, MedGen C0027672, MeSH D009386, MONDO:0015356.
Tuberous sclerosis 2 (TSC2). Identifiers: Orphanet 805, MedGen C1860707, MONDO:0013199, OMIM 613254.
Tuberous sclerosis syndrome (TSC). Also called: Tuberous sclerosis; Tuberous Sclerosis Complex. Identifiers: Orphanet 805, MedGen C0041341, MONDO:0001734.

Allele frequency attached by ClinVar (database versions not stated): gnomAD 0.00001 and 0.00002; gnomAD exomes 0.00001 and 0.00002; TOPMed 0.00001; ExAC 0.00003.
gnomAD v4.1: 27 of 1,608,944 alleles (0.0017%); highest among the groups gnomAD compares: Middle Eastern, 0.033%; no homozygotes.

Submissions (9):

PreventionGenetics, part of Exact Sciences
Classification: Benign for TSC2-related condition. Last evaluated: 2026-04-13. Review status: criteria provided, single submitter. Criteria: ACMG Guidelines, 2015. Collection method: clinical testing. Allele origin: germline.
Comment: This variant is classified as benign based on ACMG/AMP sequence variant interpretation guidelines (Richards et al. 2015 PMID: 25741868, with internal and published modifications).

Labcorp Genetics (formerly Invitae), Labcorp
Classification: Benign for Tuberous sclerosis 2. Last evaluated: 2026-01-28. Review status: criteria provided, single submitter. Criteria: Invitae Variant Classification Sherloc (09022015). Collection method: clinical testing. Allele origin: germline.

CeGaT Center for Human Genetics Tuebingen
Classification: Likely benign. Last evaluated: 2025-11-01. Review status: criteria provided, single submitter. Criteria: CeGaT Center For Human Genetics Tuebingen Variant Classification Criteria Version 2. Collection method: clinical testing. Allele origin: germline. Affected: yes. Observed: 3 variant alleles.
Comment: TSC2: BP4

Blueprint Genetics
Classification: Uncertain significance. Last evaluated: 2024-08-30. Review status: criteria provided, single submitter. Criteria: ACMG Guidelines, 2015. Collection method: clinical testing. Allele origin: germline.

All of Us Research Program, National Institutes of Health
Classification: Uncertain significance for Tuberous sclerosis syndrome. Last evaluated: 2023-09-04. Review status: criteria provided, single submitter. Criteria: ACMG Guidelines, 2015. Collection method: clinical testing. Allele origin: germline. Inheritance: Autosomal dominant inheritance. Observed: 4 variant alleles, 4 heterozygotes.
Comment: This missense variant replaces alanine with valine at codon 1429 of the TSC2 protein. Computational prediction is inconclusive regarding the impact of this variant on protein structure and function (internally defined REVEL score threshold 0.5 < inconclusive < 0.7, PMID: 27666373). To our knowledge, functional studies have not been reported for this variant. This variant has not been reported in individuals affected with tuberous sclerosis complex (TSC) in the literature. This variant has been identified in 2/238304 chromosomes in the general population by the Genome Aggregation Database (gnomAD). The available evidence is insufficient to determine the role of this variant in disease conclusively. Therefore, this variant is classified as a Variant of Uncertain Significance.

This study involves interpretation of variants in research participants for the purpose of population health screening. Participant phenotype was not available at the time of variant classification. Additional details can be found in publication PMID: 35346344, PMCID: PMC8962531

Ambry Genetics
Classification: Uncertain significance for Hereditary cancer-predisposing syndrome. Last evaluated: 2022-07-06. Review status: criteria provided, single submitter. Criteria: Ambry Variant Classification Scheme 2023. Collection method: clinical testing. Allele origin: germline.

Genome-Nilou Lab
Classification: Likely benign for Tuberous sclerosis 2. Last evaluated: 2021-11-07. Review status: criteria provided, single submitter. Criteria: ACMG Guidelines, 2015. Collection method: clinical testing. Allele origin: germline. Affected: no.

GeneDx
Classification: Likely benign. Last evaluated: 2020-12-02. Review status: criteria provided, single submitter. Criteria: GeneDx Variant Classification Process June 2021. Collection method: clinical testing. Allele origin: germline. Affected: yes.

Illumina Laboratory Services, Illumina
Classification: Uncertain significance for Tuberous sclerosis syndrome. Last evaluated: 2018-01-13. Review status: criteria provided, single submitter. Criteria: ICSL Variant Classification Criteria 13 December 2019. Collection method: clinical testing. Allele origin: germline.